The following is an entry in ClinVar:

NM_000301.5(PLG):c.1895C>T (p.Ser632Phe)

Gene: PLG (plasminogen; plus strand). Cytogenetic location: 6q26.
Variant type: single nucleotide variant.
Coding change: c.1895C>T on transcript NM_000301.5 (MANE Select); coding-DNA position 1895, C replaced by T.
Protein change: p.Ser632Phe; replaces serine 632 with phenylalanine.
Molecular consequence: missense variant.
Genome position (GRCh38, 1-based): chr6:160,739,085, C>T. VCF-style: chr6-160739085-C-T. GRCh37 (hg19) VCF-style: chr6-161160117-C-T.
Other names: short protein forms S632F.
Identifiers: ClinVar variation 2031282 (VCV002031282.4), dbSNP rs2484397321, ClinGen allele CA366365273.
Genomic context (GRCh38, chr6:160,739,085, plus strand): 5'-GGGCTGGACCATATTTTCCTCTTGACGTCCTCATCTTTTCTAGGTCCCCAAGGCCTTCAT[C>T]CTACAAGGTCATCCTGGGTGCACACCAAGAAGTGAATCTCGAACCGCATGTTCAGGAAAT-3'
Protein context (NP_000292.1, residues 622-642): HCLEKSPRPS[Ser632Phe]YKVILGAHQE

ClinVar aggregate classification (germline): Uncertain significance (1 of 4 stars; one submission).

Submission:

Labcorp Genetics (formerly Invitae), Labcorp
Classification: Uncertain significance. Last evaluated: 2025-10-20. Review status: criteria provided, single submitter. Criteria: Invitae Variant Classification Sherloc (09022015). Collection method: clinical testing. Allele origin: germline.
Comment: This sequence change replaces serine, which is neutral and polar, with phenylalanine, which is neutral and non-polar, at codon 632 of the PLG protein (p.Ser632Phe). This variant is not present in population databases (gnomAD no frequency). This variant has not been reported in the literature in individuals affected with PLG-related conditions. ClinVar contains an entry for this variant (Variation ID: 2031282). Invitae Evidence Modeling of protein sequence and biophysical properties (such as structural, functional, and spatial information, amino acid conservation, physicochemical variation, residue mobility, and thermodynamic stability) indicates that this missense variant is not expected to disrupt PLG protein function with a negative predictive value of 80%. In summary, the available evidence is currently insufficient to determine the role of this variant in disease. Therefore, it has been classified as a Variant of Uncertain Significance.